The following is an entry in ClinVar:

ClinVar aggregate classification (germline): Uncertain significance (1 of 4 stars; one submission).

Submission:

GeneDx
Classification: Uncertain significance. Last evaluated: 2013-05-14. Review status: criteria provided, single submitter. Criteria: GeneDx Variant Classification (06012015). Collection method: clinical testing. Allele origin: germline. Affected: yes.
Comment: The Thr181Lys variant in the NEXN gene has not been reported as a disease-causing mutation or as a benign polymorphism to our knowledge. Thr181Lys results in a semi-conservative amino acid substitution of a neutral, polar Threonine with a positively charged Lysine at a position that is not well conserved across species. In silico analysis predicts Thr181Lys is benign to the protein structure/function. Mutations in nearby residues have not been reported in association with cardiomyopathy, and very few mutations have been reported in the NEXN gene to date. However, Thr181Lys was not observed in approximately 6000 individuals of European and African American ancestry in the NHLBI Exome Sequencing Project, indicating it is not a common benign variant in these populations. With the clinical and molecular information available at this time, we cannot definitively determine if Thr181Lys is a disease-causing mutation or a rare benign variant. The variant is found in DCM panel(s).

NM_144573.4(NEXN):c.542C>A (p.Thr181Lys)

Gene: NEXN (nexilin F-actin binding protein; plus strand). Cytogenetic location: 1p31.1.
Variant type: single nucleotide variant.
Coding change: c.542C>A on transcript NM_144573.4 (MANE Select); coding-DNA position 542, C replaced by A.
Protein change: p.Thr181Lys; replaces threonine 181 with lysine.
Molecular consequence: missense variant.
Genome position (GRCh38, 1-based): chr1:77,926,466, C>A. VCF-style: chr1-77926466-C-A. GRCh37 (hg19) VCF-style: chr1-78392151-C-A.
Other names: p.T181K:ACA>AAA; c.350C>A, p.Thr117Lys (NM_001172309.2); short protein forms T181K, T117K.
Identifiers: ClinVar variation 201918 (VCV000201918.2), dbSNP rs764640427, ClinGen allele CA335394.
Genomic context (GRCh38, chr1:77,926,466, plus strand): 5'-TAAAATAGGAAGGAGATGATTCACTACTTATAACTGTGGTACCTGTCAAATCATATAAAA[C>A]ATCTGGAAAAATGAAAAAGAATTTTGAGGATCTAGAAAAAGAACGTGAAGAGAAAGAAAG-3'
Protein context (NP_653174.3, residues 171-191): ITVVPVKSYK[Thr181Lys]SGKMKKNFED